The following is an entry in ClinVar:

ClinVar aggregate classification (germline): Uncertain significance (1 of 4 stars; one submission).

Conditions:
Singleton-Merten syndrome 1 (SGMRT1). Also called: Widened medullary cavities of bone, aortic calcification, abnormal dentition, and muscular weakness; Syndrome of widened medullary cavities of the metacarpals and phalanges, aortic calcification and abnormal dentition. Identifiers: Orphanet 85191, MedGen C4225427, MONDO:0024535, OMIM 182250.
Aicardi-Goutieres syndrome 7 (AGS7). Identifiers: Orphanet 51, MedGen C3888244, MONDO:0014367, OMIM 615846.

gnomAD v4.1: 3 of 1,611,834 alleles (0.00019%); highest among the groups gnomAD compares: Non-Finnish European, 0.00025%; no homozygotes.

Submission:

Labcorp Genetics (formerly Invitae), Labcorp
Classification: Uncertain significance for Aicardi-Goutieres syndrome 7; Singleton-Merten syndrome 1. Last evaluated: 2025-01-25. Review status: criteria provided, single submitter. Criteria: Invitae Variant Classification Sherloc (09022015). Collection method: clinical testing. Allele origin: germline.
Comment: This sequence change replaces glutamic acid, which is acidic and polar, with aspartic acid, which is acidic and polar, at codon 504 of the IFIH1 protein (p.Glu504Asp). This variant is not present in population databases (gnomAD no frequency). This variant has not been reported in the literature in individuals affected with IFIH1-related conditions. An algorithm developed to predict the effect of missense changes on protein structure and function outputs the following: PolyPhen-2: "Benign". The aspartic acid amino acid residue is found in multiple mammalian species, which suggests that this missense change does not adversely affect protein function. In summary, the available evidence is currently insufficient to determine the role of this variant in disease. Therefore, it has been classified as a Variant of Uncertain Significance.

NM_022168.4(IFIH1):c.1512A>C (p.Glu504Asp)

Gene: IFIH1 (interferon induced with helicase C domain 1; minus strand). Cytogenetic location: 2q24.2.
Variant type: single nucleotide variant.
Coding change: c.1512A>C on transcript NM_022168.4 (MANE Select); coding-DNA position 1512, A replaced by C.
Protein change: p.Glu504Asp; replaces glutamic acid 504 with aspartic acid.
Molecular consequence: missense variant.
Genome position (GRCh38, 1-based): chr2:162,281,340, T>G on the plus strand (A>C on the coding strand, the complement: IFIH1 is on the minus strand). VCF-style: chr2-162281340-T-G. GRCh37 (hg19) VCF-style: chr2-163137850-T-G.
Other names: short protein forms E504D.
Identifiers: ClinVar variation 3753629 (VCV003753629.2).